The following is an entry in ClinVar:

NM_181675.4(PPP2R2B):c.118G>A (p.Ala40Thr)

Gene: PPP2R2B (protein phosphatase 2 regulatory subunit Bbeta; minus strand). Cytogenetic location: 5q32.
Variant type: single nucleotide variant.
Coding change: c.118G>A on transcript NM_181675.4 (MANE Select); coding-DNA position 118, G replaced by A.
Protein change: p.Ala40Thr; replaces alanine 40 with threonine.
Molecular consequence: missense variant.
Genome position (GRCh38, 1-based): chr5:146,701,095, C>T on the plus strand (G>A on the coding strand, the complement: PPP2R2B is on the minus strand). VCF-style: chr5-146701095-C-T. GRCh37 (hg19) VCF-style: chr5-146080658-C-T.
Other names: c.136G>A, p.Ala46Thr (NM_001271899.1); c.292G>A, p.Ala98Thr (NM_001271900.2); c.85G>A, p.Ala29Thr (NM_001271948.2, NM_181678.2); c.118G>A, p.Ala40Thr (NM_001428277.1, NM_001428279.1); c.316G>A, p.Ala106Thr (NM_181674.3); c.127G>A, p.Ala43Thr (NM_181676.3); c.58G>A, p.Ala20Thr (NM_181677.2); short protein forms A106T, A40T, A46T, A98T, A29T, A43T, A20T.
Identifiers: ClinVar variation 5009129 (VCV005009129.1).

ClinVar aggregate classification (germline): Uncertain significance (1 of 4 stars; one submission).

Submission:

GeneDx
Classification: Uncertain significance. Last evaluated: 2026-03-18. Review status: criteria provided, single submitter. Criteria: GeneDx Variant Classification Process June 2021. Collection method: clinical testing. Allele origin: germline.
Comment: Not observed at significant frequency in large population cohorts (gnomAD); In silico analysis supports that this missense variant has a deleterious effect on protein structure/function; Has not been previously published as pathogenic or benign to our knowledge